The following is an entry in ClinVar:

ClinVar aggregate classification (germline): Likely pathogenic (1 of 4 stars; one submission).

Conditions:
CPOX-related disorder. Also called: CPOX-related condition; CPOX-related disorders.

Submission:

PreventionGenetics, part of Exact Sciences
Classification: Likely pathogenic for CPOX-related condition. Last evaluated: 2026-02-26. Review status: criteria provided, single submitter. Criteria: ACMG Guidelines, 2015. Collection method: clinical testing. Allele origin: germline.
Comment: The CPOX c.910delT variant is predicted to result in a frameshift and premature protein termination (p.Cys304Valfs*22). To our knowledge, this variant has not been reported in the literature. This variant is reported in 0.0029% of alleles in individuals of Latino descent in gnomAD. Frameshift variants in CPOX are expected to be pathogenic. This variant is interpreted as likely pathogenic.

NM_000097.7(CPOX):c.910del (p.Cys304fs)

Gene: CPOX (coproporphyrinogen oxidase; minus strand). Cytogenetic location: 3q11.2.
Variant type: Deletion.
Coding change: c.910del on transcript NM_000097.7 (MANE Select); coding-DNA position 910, one base deleted (T; older notation c.910delT).
Protein change: p.Cys304fs; shifts the reading frame from cysteine 304.
Molecular consequence: frameshift variant.
Genome position (GRCh38, 1-based): chr3:98,588,756, A deleted on the plus strand (T on the coding strand, the reverse complement: CPOX is on the minus strand); the first of 2 consecutive A bases (chr3:98,588,756-98,588,757); deleting either gives the same sequence. VCF-style (leftmost placement, unchanged base first): chr3-98588755-CA-C. GRCh37 (hg19) VCF-style: chr3-98307599-CA-C.
Other names: short protein forms C304fs.
Identifiers: ClinVar variation 3357191 (VCV003357191.2).